The following is an entry in ClinVar:

NM_000038.6(APC):c.531+3A>G

Gene: APC (APC regulator of Wnt signaling pathway; plus strand). Cytogenetic location: 5q22.2.
Variant type: single nucleotide variant.
Coding change: c.531+3A>G on transcript NM_000038.6 (MANE Select); 3 bases into the intron after coding-DNA position 531, A replaced by G.
Molecular consequence: intron variant.
Genome position (GRCh38, 1-based): chr5:112,775,740, A>G. VCF-style: chr5-112775740-A-G. GRCh37 (hg19) VCF-style: chr5-112111437-A-G.
Other names: c.-505+3A>G (NM_001407470.1, NM_001407472.1, NM_001354906.2 and 1 more transcripts); c.531+3A>G (NM_001407447.1, NM_001354895.2, NM_001407456.1 and 16 more transcripts); c.561+3A>G (NM_001407446.1, NM_001354897.2, NM_001354902.2 and 1 more transcripts); c.354+3A>G (NM_001407453.1, NM_001354900.2, NM_001354901.2 and 1 more transcripts); c.456+3A>G (NM_001407451.1, NM_001354898.2, NM_001354904.2).
Identifiers: ClinVar variation 4119206 (VCV004119206.1).
Genomic context (GRCh38, chr5:112,775,740, plus strand): 5'-TTACGCTCAACTTCAGAATCTCACTAAAAGAATAGATAGTCTTCCTTTAACTGAAAATGT[A>G]AGTAACTTGGCAGTACAACTTATTTGAAACTTTAATAACTTGATATTTTAAAGTACCTAG-3'

ClinVar aggregate classification (germline): Uncertain significance (1 of 4 stars; one submission).

Conditions:
Hereditary cancer-predisposing syndrome. Also called: Hereditary neoplastic syndrome; Neoplastic Syndromes, Hereditary; Tumor predisposition; Hereditary Cancer Syndrome. Identifiers: Orphanet 140162, MedGen C0027672, MeSH D009386, MONDO:0015356.

Submission:

Ambry Genetics
Classification: Uncertain significance for Hereditary cancer-predisposing syndrome. Last evaluated: 2025-08-29. Review status: criteria provided, single submitter. Criteria: Ambry Variant Classification Scheme 2023. Collection method: clinical testing. Allele origin: germline.
Comment: The c.531+3A>G intronic variant results from an A to G substitution 3 nucleotides after coding exon 4 in the APC gene. This nucleotide position is well conserved in available vertebrate species. In silico splice site analysis predicts that this alteration will not have any significant effect on splicing. Based on the available evidence, the clinical significance of this variant remains unclear.